The following is an entry in ClinVar:

NM_152618.3(BBS12):c.640C>T (p.Arg214Ter)

Gene: BBS12 (Bardet-Biedl syndrome 12; plus strand). Cytogenetic location: 4q27.
Variant type: single nucleotide variant.
Coding change: c.640C>T on transcript NM_152618.3 (MANE Select); coding-DNA position 640, C replaced by T.
Protein change: p.Arg214Ter; replaces arginine 214 with a stop codon.
Molecular consequence: nonsense.
Genome position (GRCh38, 1-based): chr4:122,742,532, C>T. VCF-style: chr4-122742532-C-T. GRCh37 (hg19) VCF-style: chr4-123663687-C-T.
Other names: c.640C>T, p.Arg214Ter (NM_001178007.2); short protein forms R214*.
Identifiers: ClinVar variation 558497 (VCV000558497.10), dbSNP rs745448288, ClinGen allele CA3069304.

ClinVar aggregate classification (germline): Pathogenic/Likely pathogenic. Review status: criteria provided, multiple submitters, no conflicts (2 of 4 stars). 5 submissions from 5 submitters: Pathogenic (1); Likely pathogenic (3). 1 of the submissions does not count toward it. Last evaluated 2024-07-02.

Conditions:
BBS12-related disorder. Also called: BBS12-related condition.
Bardet-Biedl syndrome (BBS). Identifiers: Orphanet 110, MedGen C0752166, MONDO:0015229.
Bardet-Biedl syndrome 12 (BBS12). Identifiers: Orphanet 110, MedGen C1859570, MONDO:0014440, OMIM 615989.

Allele frequency attached by ClinVar (database versions not stated): gnomAD exomes below 0.00001 and 0.00001; ExAC 0.00002.
gnomAD v4.1: 5 of 1,614,140 alleles (0.00031%); highest among the groups gnomAD compares: East Asian, 0.0022%; no homozygotes.

Submissions (5):

Labcorp Genetics (formerly Invitae), Labcorp
Classification: Pathogenic for Bardet-Biedl syndrome. Last evaluated: 2024-07-02. Review status: criteria provided, single submitter. Criteria: Invitae Variant Classification Sherloc (09022015). Collection method: clinical testing. Allele origin: germline.
Comment: This sequence change creates a premature translational stop signal (p.Arg214*) in the BBS12 gene. While this is not anticipated to result in nonsense mediated decay, it is expected to disrupt the last 497 amino acid(s) of the BBS12 protein. This variant is present in population databases (rs745448288, gnomAD 0.003%). This variant has not been reported in the literature in individuals affected with BBS12-related conditions. ClinVar contains an entry for this variant (Variation ID: 558497). This variant disrupts a region of the BBS12 protein in which other variant(s) (p.Arg675*) have been determined to be pathogenic (PMID: 20827784, 21642631). This suggests that this is a clinically significant region of the protein, and that variants that disrupt it are likely to be disease-causing. For these reasons, this variant has been classified as Pathogenic.

Baylor Genetics
Classification: Likely pathogenic for Bardet-Biedl syndrome 12. Last evaluated: 2024-02-20. Review status: criteria provided, single submitter. Criteria: ACMG Guidelines, 2015. Collection method: clinical testing. Allele origin: unknown.

Fulgent Genetics
Classification: Likely pathogenic for Bardet-Biedl syndrome 12. Last evaluated: 2021-12-21. Review status: criteria provided, single submitter. Criteria: ACMG Guidelines, 2015. Collection method: clinical testing. Allele origin: unknown.

Blueprint Genetics
Classification: Likely pathogenic for BBS12-related disorders. Last evaluated: 2020-03-16. Review status: criteria provided, single submitter. Criteria: ACMG Guidelines, 2015. Collection method: clinical testing. Allele origin: germline. Affected: yes. Observed: 2 variant alleles.

Counsyl
Classification: Likely pathogenic for Bardet-Biedl syndrome 12. Last evaluated: 2018-05-23. Review status: no assertion criteria provided. Collection method: clinical testing. Allele origin: unknown. Not counted in ClinVar's aggregate classification.

Literature cited by the submitters: PubMed 20827784 (cited by Labcorp Genetics (formerly Invitae), Labcorp); PubMed 21642631 (cited by Labcorp Genetics (formerly Invitae), Labcorp).